The following is an entry in ClinVar:

ClinVar aggregate classification (germline): Pathogenic. Review status: criteria provided, multiple submitters, no conflicts (2 of 4 stars). 3 submissions from 3 submitters: Pathogenic (2). 1 of the submissions does not count toward it. Last evaluated 2024-01-10.

Conditions:
Familial long QT syndrome (RWS). Also called: Congenital long QT syndrome; Romano-Ward syndrome; VENTRICULAR FIBRILLATION WITH PROLONGED QT INTERVAL. Identifiers: Orphanet 768, MedGen C1141890, MONDO:0019171.
Long QT syndrome (LQTS). Identifiers: MedGen C0023976, MeSH D008133, MONDO:0002442. Disease mechanism: loss of function. Inheritance: Various modes of inheritance.

Allele frequency attached by ClinVar (database versions not stated): gnomAD exomes below 0.00001.
gnomAD v4.1: 1 of 1,604,712 alleles (0.000062%); no homozygotes.

Submissions (3):

All of Us Research Program, National Institutes of Health
Classification: Pathogenic for Long QT syndrome. Last evaluated: 2024-01-10. Review status: criteria provided, single submitter. Criteria: ACMG Guidelines, 2015. Collection method: clinical testing. Allele origin: germline. Inheritance: Autosomal dominant inheritance. Observed: 1 variant allele, 1 heterozygote.
Comment: The c.87C>A (p.Phe29Leu) variant in KCNH2 gene, that encodes for potassium voltage-gated channel subfamily H member 2, has been identified in multiple unrelated probands (>10) with Long QT syndrome (PMID: 26403377, 29343803, 28235848, 32893267). This variant has been identified as a founder variant in thirty-three members of five apparently unrelated Danish families with congenital long QT syndrome (PMID:26403377). This variant has also been reported in one individual with sudden cardiac death (PMID: 31729605). Several functional studies using transfected HEK cells and Xenopus laevis oocytes revealed a loss-of-function phenotype with trafficking defects, accelerated deactivation of functional channels, altered channel gating, reduced steady-state inactivation current density and a positive voltage shift in inactivation, compared to wild type (PMID: 26403377, 10187793, 21536673, 31557540, 30988392, 22396785). In-silico computational prediction tools suggest that this variant may have deleterious effect on the protein function (REVEL score: 0.843). This variant is absent in the general population database, gnomAD and interpreted as pathogenic in ClinVar (ClinVar ID: 67538). Therefore, the c.87C>A (p.Phe29Leu) variant in the KCNH2 gene is classified as pathogenic.

This study involves interpretation of variants in research participants for the purpose of population health screening. Participant phenotype was not available at the time of variant classification. Additional details can be found in publication PMID: 35346344, PMCID: PMC8962531

Labcorp Genetics (formerly Invitae), Labcorp
Classification: Pathogenic for Long QT syndrome. Last evaluated: 2021-05-31. Review status: criteria provided, single submitter. Criteria: Invitae Variant Classification Sherloc (09022015). Collection method: clinical testing. Allele origin: germline.
Comment: This variant has been observed in several individuals with long QT syndrome (LQTS) and observed to segregate with LQTS in a family (PMID: 17088455, 26403377). ClinVar contains an entry for this variant (Variation ID: 67538). For these reasons, this variant has been classified as Pathogenic. This variant has been reported to affect KCNH2 protein function (PMID: 26403377, 22396785, 25417810, 21536673, 23721480, 10187793, 30988392). This variant is not present in population databases (ExAC no frequency). This sequence change replaces phenylalanine with leucine at codon 29 of the KCNH2 protein (p.Phe29Leu). The phenylalanine residue is weakly conserved and there is a small physicochemical difference between phenylalanine and leucine.

Cardiovascular Biomedical Research Unit, Royal Brompton & Harefield NHS Foundation Trust
No classification provided. Condition: Familial long QT syndrome. Review status: no classification provided. Collection method: literature only. Allele origin: germline. Not counted in ClinVar's aggregate classification.
Comment: This variant has been reported as associated with Long QT syndrome in the following publications (PMID:10187793;PMID:10973849;PMID:11668638;PMID:11854117;PMID:15840476;PMID:15851171;PMID:16937190;PMID:19716085;PMID:21536673;PMID:22396785). This is a literature report, and does not necessarily reflect the clinical interpretation of the Imperial College / Royal Brompton Cardiovascular Genetics laboratory.

Literature cited by the submitters: PubMed 10187793 (cited by 3 submitters); PubMed 21536673 (cited by 3 submitters); PubMed 22396785 (cited by 3 submitters); PubMed 26403377 (cited by All of Us Research Program, National Institutes of Health and Labcorp Genetics (formerly Invitae), Labcorp); PubMed 28235848 (cited by All of Us Research Program, National Institutes of Health); PubMed 29343803 (cited by All of Us Research Program, National Institutes of Health); PubMed 30988392 (cited by All of Us Research Program, National Institutes of Health and Labcorp Genetics (formerly Invitae), Labcorp); PubMed 31557540 (cited by All of Us Research Program, National Institutes of Health); PubMed 31729605 (cited by All of Us Research Program, National Institutes of Health); PubMed 32893267 (cited by All of Us Research Program, National Institutes of Health); PubMed 17088455 (cited by Labcorp Genetics (formerly Invitae), Labcorp); PubMed 25417810 (cited by Labcorp Genetics (formerly Invitae), Labcorp); PubMed 23721480 (cited by Labcorp Genetics (formerly Invitae), Labcorp); PubMed 10973849 (cited by Cardiovascular Biomedical Research Unit, Royal Brompton & Harefield NHS Foundation Trust); PubMed 11668638 (cited by Cardiovascular Biomedical Research Unit, Royal Brompton & Harefield NHS Foundation Trust); PubMed 11854117 (cited by Cardiovascular Biomedical Research Unit, Royal Brompton & Harefield NHS Foundation Trust); PubMed 15840476 (cited by Cardiovascular Biomedical Research Unit, Royal Brompton & Harefield NHS Foundation Trust); PubMed 15851171 (cited by Cardiovascular Biomedical Research Unit, Royal Brompton & Harefield NHS Foundation Trust); PubMed 16937190 (cited by Cardiovascular Biomedical Research Unit, Royal Brompton & Harefield NHS Foundation Trust); PubMed 19716085 (cited by Cardiovascular Biomedical Research Unit, Royal Brompton & Harefield NHS Foundation Trust); PubMed 22581653 (cited by Cardiovascular Biomedical Research Unit, Royal Brompton & Harefield NHS Foundation Trust).

NM_000238.4(KCNH2):c.87C>A (p.Phe29Leu)

Gene: KCNH2 (potassium voltage-gated channel subfamily H member 2; minus strand). Cytogenetic location: 7q36.1.
Variant type: single nucleotide variant.
Coding change: c.87C>A on transcript NM_000238.4 (MANE Select); coding-DNA position 87, C replaced by A.
Protein change: p.Phe29Leu; replaces phenylalanine 29 with leucine.
Molecular consequence: missense variant.
Genome position (GRCh38, 1-based): chr7:150,974,931, G>T on the plus strand (C>A on the coding strand, the complement: KCNH2 is on the minus strand). VCF-style: chr7-150974931-G-T. GRCh37 (hg19) VCF-style: chr7-150672019-G-T.
Other names: c.87C>A (LRG_288t1); c.-91C>A (NM_001406755.1); c.87C>A, p.Phe29Leu (NM_172056.3); short protein forms F29L.
Identifiers: ClinVar variation 67538 (VCV000067538.10), dbSNP rs199472830, ClinGen allele CA008941.